The following is an entry in ClinVar:

NM_018149.7(SMG8):c.2805G>A (p.Pro935=)

Gene: SMG8 (SMG8 nonsense mediated mRNA decay factor; plus strand). Cytogenetic location: 17q22.
Variant type: single nucleotide variant.
Coding change: c.2805G>A on transcript NM_018149.7 (MANE Select); coding-DNA position 2805, G replaced by A.
Protein change: p.Pro935=; no amino-acid change (proline 935 retained).
Molecular consequence: synonymous variant.
Genome position (GRCh38, 1-based): chr17:59,214,831, G>A. VCF-style: chr17-59214831-G-A. GRCh37 (hg19) VCF-style: chr17-57292192-G-A.
Identifiers: ClinVar variation 2647984 (VCV002647984.24), dbSNP rs138640712, ClinGen allele CA8679842.
Genomic context (GRCh38, chr17:59,214,831, plus strand): 5'-ATGTGAAAATAATTATACTACCTGTGTTTTTCAGGTTCAGCCAGGCCCACCACCATGTCC[G>A]GTATTCTACCCAGAAAAACAAGAAATCACCCTTCCACCTGATGGCCTTTGGGTTTTGAGA-3'
Protein context (NP_060619.4, residues 925-945): PQVQPGPPPC[Pro935=]VFYPEKQEIT

ClinVar aggregate classification (germline): Likely benign (1 of 4 stars; one submission).

Allele frequency attached by ClinVar (database versions not stated): ExAC 0.00025; ESP Exome Variant Server 0.00038; gnomAD 0.00039.
gnomAD v4.1: 388 of 872,898 alleles (0.044%); highest among the groups gnomAD compares: Non-Finnish European, 0.065%; no homozygotes.

Submission:

CeGaT Center for Human Genetics Tuebingen
Classification: Likely benign. Last evaluated: 2022-11-01. Review status: criteria provided, single submitter. Criteria: CeGaT Center For Human Genetics Tuebingen Variant Classification Criteria Version 2. Collection method: clinical testing. Allele origin: germline. Affected: yes. Observed: 1 variant allele.
Comment: SMG8: BP4, BP7